The following is an entry in ClinVar:

NM_022835.3(PLEKHG2):c.118G>A (p.Ala40Thr)

Gene: PLEKHG2 (pleckstrin homology and RhoGEF domain containing G2; plus strand). Cytogenetic location: 19q13.2.
Variant type: single nucleotide variant.
Coding change: c.118G>A on transcript NM_022835.3 (MANE Select); coding-DNA position 118, G replaced by A.
Protein change: p.Ala40Thr; replaces alanine 40 with threonine.
Molecular consequence: missense variant. On other transcripts: intron variant (1).
Genome position (GRCh38, 1-based): chr19:39,415,000, G>A. VCF-style: chr19-39415000-G-A. GRCh37 (hg19) VCF-style: chr19-39905640-G-A.
Other names: c.118G>A, p.Ala40Thr (NM_001351694.2); c.110-169G>A (NM_001351693.2); short protein forms A40T.
Identifiers: ClinVar variation 2015250 (VCV002015250.4), dbSNP rs1406878878, ClinGen allele CA405786849.

ClinVar aggregate classification (germline): Uncertain significance (1 of 4 stars; one submission).

Submission:

Labcorp Genetics (formerly Invitae), Labcorp
Classification: Uncertain significance. Last evaluated: 2024-03-04. Review status: criteria provided, single submitter. Criteria: Invitae Variant Classification Sherloc (09022015). Collection method: clinical testing. Allele origin: germline.
Comment: This sequence change replaces alanine, which is neutral and non-polar, with threonine, which is neutral and polar, at codon 40 of the PLEKHG2 protein (p.Ala40Thr). This variant is not present in population databases (gnomAD no frequency). This variant has not been reported in the literature in individuals affected with PLEKHG2-related conditions. ClinVar contains an entry for this variant (Variation ID: 2015250). Algorithms developed to predict the effect of missense changes on protein structure and function output the following: SIFT: "Not Available"; PolyPhen-2: "Benign"; Align-GVGD: "Not Available". The threonine amino acid residue is found in multiple mammalian species, which suggests that this missense change does not adversely affect protein function. In summary, the available evidence is currently insufficient to determine the role of this variant in disease. Therefore, it has been classified as a Variant of Uncertain Significance.